The following is an entry in ClinVar:

ClinVar aggregate classification (germline): Uncertain significance (1 of 4 stars; one submission).

Conditions:
Joubert syndrome. Also called: CEREBELLOPARENCHYMAL DISORDER IV; JOUBERT-BOLTSHAUSER SYNDROME; Familial aplasia of the vermis. Identifiers: Orphanet 475, MedGen C5979921, MONDO:0018772.

Allele frequency attached by ClinVar (database versions not stated): TOPMed 0.00001; gnomAD exomes 0.00004.

Submission:

Labcorp Genetics (formerly Invitae), Labcorp
Classification: Uncertain significance for Joubert syndrome. Last evaluated: 2022-03-17. Review status: criteria provided, single submitter. Criteria: Invitae Variant Classification Sherloc (09022015). Collection method: clinical testing. Allele origin: germline.
Comment: This sequence change replaces aspartic acid, which is acidic and polar, with asparagine, which is neutral and polar, at codon 41 of the INPP5E protein (p.Asp41Asn). In summary, the available evidence is currently insufficient to determine the role of this variant in disease. Therefore, it has been classified as a Variant of Uncertain Significance. Advanced modeling of protein sequence and biophysical properties (such as structural, functional, and spatial information, amino acid conservation, physicochemical variation, residue mobility, and thermodynamic stability) performed at Invitae indicates that this missense variant is not expected to disrupt INPP5E protein function. This variant has not been reported in the literature in individuals affected with INPP5E-related conditions. The frequency data for this variant in the population databases is considered unreliable, as metrics indicate poor data quality at this position in the gnomAD database.

NM_019892.6(INPP5E):c.121G>A (p.Asp41Asn)

Gene: INPP5E (inositol polyphosphate-5-phosphatase E; minus strand). Cytogenetic location: 9q34.3.
Variant type: single nucleotide variant.
Coding change: c.121G>A on transcript NM_019892.6 (MANE Select); coding-DNA position 121, G replaced by A.
Protein change: p.Asp41Asn; replaces aspartic acid 41 with asparagine.
Molecular consequence: missense variant.
Genome position (GRCh38, 1-based): chr9:136,439,299, C>T on the plus strand (G>A on the coding strand, the complement: INPP5E is on the minus strand). VCF-style: chr9-136439299-C-T. GRCh37 (hg19) VCF-style: chr9-139333751-C-T.
Other names: c.121G>A, p.Asp41Asn (NM_001318502.2); short protein forms D41N.
Identifiers: ClinVar variation 1516918 (VCV001516918.5), dbSNP rs778156063, ClinGen allele CA5337208.
Genomic context (GRCh38, chr9:136,439,299, plus strand): 5'-CGCCGCTGGGCGTGGCCGGAGTGCTGCAGGCAAGCGCGGGGCTCTCGGAGCCCGGAGCAT[C>T]GGGTGGGGACCCCGCGCGCTGGGCCGGCGGAGCGCCGGGAAGCTGTCCTTGGAGCGTCCT-3'
Protein context (NP_063945.2, residues 31-51): PPAQRAGSPP[Asp41Asn]APGSESPALA